The following is an entry in ClinVar:

ClinVar aggregate classification (germline): Benign (0 of 4 stars; one submission).

Conditions:
CSMD3-related disorder. Also called: CSMD3-related condition.

Allele frequency attached by ClinVar (database versions not stated): ESP Exome Variant Server 0.01991; TOPMed 0.02094; gnomAD 0.02444; gnomAD exomes 0.02637; ExAC 0.02867; 1000 Genomes Project 30x 0.03107; 1000 Genomes Project 0.03375.
gnomAD v4.1: 42,526 of 1,613,086 alleles (2.6%); highest among the groups gnomAD compares: East Asian, 6.6%; 736 homozygotes.

Submission:

PreventionGenetics, part of Exact Sciences
Classification: Benign for CSMD3-related condition. Last evaluated: 2019-02-22. Review status: no assertion criteria provided. Collection method: clinical testing. Allele origin: germline.
Comment: This variant is classified as benign based on ACMG/AMP sequence variant interpretation guidelines (Richards et al. 2015 PMID: 25741868, with internal and published modifications).

NM_198123.2(CSMD3):c.2121T>C (p.Asn707=)

Gene: CSMD3 (CUB and Sushi multiple domains 3; minus strand). Cytogenetic location: 8q23.3.
Variant type: single nucleotide variant.
Coding change: c.2121T>C on transcript NM_198123.2 (MANE Select); coding-DNA position 2121, T replaced by C.
Protein change: p.Asn707=; no amino-acid change (asparagine 707 retained).
Molecular consequence: synonymous variant.
Genome position (GRCh38, 1-based): chr8:112,689,902, A>G on the plus strand (T>C on the coding strand, the complement: CSMD3 is on the minus strand). VCF-style: chr8-112689902-A-G. GRCh37 (hg19) VCF-style: chr8-113702131-A-G.
Other names: c.1731T>C, p.Asn577= (NM_001363185.1); c.1809T>C, p.Asn603= (NM_052900.3); c.2001T>C, p.Asn667= (NM_198124.2).
Identifiers: ClinVar variation 3037981 (VCV003037981.2), dbSNP rs16883953, ClinGen allele CA4850772.